The following is an entry in ClinVar:

NM_199242.3(UNC13D):c.1609G>A (p.Val537Met)

Gene: UNC13D (unc-13 homolog D; minus strand). Cytogenetic location: 17q25.1.
Variant type: single nucleotide variant.
Coding change: c.1609G>A on transcript NM_199242.3 (MANE Select); coding-DNA position 1609, G replaced by A.
Protein change: p.Val537Met; replaces valine 537 with methionine.
Molecular consequence: missense variant.
Genome position (GRCh38, 1-based): chr17:75,835,765, C>T on the plus strand (G>A on the coding strand, the complement: UNC13D is on the minus strand). VCF-style: chr17-75835765-C-T. GRCh37 (hg19) VCF-style: chr17-73831846-C-T.
Other names: short protein forms V537M.
Identifiers: ClinVar variation 2187120 (VCV002187120.4), dbSNP rs757380232, ClinGen allele CA401096571.

ClinVar aggregate classification (germline): Uncertain significance (1 of 4 stars; one submission).

Conditions:
Familial hemophagocytic lymphohistiocytosis 3 (FHL3). Also called: UNC13D-Related Familial Hemophagocytic Lymphohistiocytosis (UNC13D-fHLH). Identifiers: Orphanet 540, MedGen C1837174, MONDO:0012146, OMIM 608898.

Submission:

Labcorp Genetics (formerly Invitae), Labcorp
Classification: Uncertain significance for Familial hemophagocytic lymphohistiocytosis 3. Last evaluated: 2022-07-19. Review status: criteria provided, single submitter. Criteria: Invitae Variant Classification Sherloc (09022015). Collection method: clinical testing. Allele origin: germline.
Comment: In summary, the available evidence is currently insufficient to determine the role of this variant in disease. Therefore, it has been classified as a Variant of Uncertain Significance. Algorithms developed to predict the effect of missense changes on protein structure and function are either unavailable or do not agree on the potential impact of this missense change (SIFT: "Not Available"; PolyPhen-2: "Benign"; Align-GVGD: "Not Available"). This variant has not been reported in the literature in individuals affected with UNC13D-related conditions. This variant is not present in population databases (gnomAD no frequency). This sequence change replaces valine, which is neutral and non-polar, with methionine, which is neutral and non-polar, at codon 537 of the UNC13D protein (p.Val537Met).